The following is an entry in ClinVar:

NM_004415.4(DSP):c.1701+2T>C

Gene: DSP (desmoplakin; plus strand). Cytogenetic location: 6p24.3.
Variant type: single nucleotide variant.
Coding change: c.1701+2T>C on transcript NM_004415.4 (MANE Select); the canonical splice donor site of the intron after coding-DNA position 1701, T replaced by C.
Molecular consequence: splice donor variant.
Genome position (GRCh38, 1-based): chr6:7,570,565, T>C. VCF-style: chr6-7570565-T-C. GRCh37 (hg19) VCF-style: chr6-7570798-T-C.
Other names: c.1701+2T>C (NM_001319034.2, NM_001008844.3).
Identifiers: ClinVar variation 2099289 (VCV002099289.5), dbSNP rs2533890784, ClinGen allele CA362678554.
Genomic context (GRCh38, chr6:7,570,565, plus strand): 5'-TGTCCTGGCACTACTGCATGATTGACATAGAGAAGATCAGGGCCATGACAATCGCCAAGG[T>C]ATGTCCTCAGGGCCACTTAGGCTGCCTGGAGGGAGGGCAGCGCTGCCCCCCGCAGTGCCT-3'

ClinVar aggregate classification (germline): Conflicting classifications of pathogenicity. Review status: criteria provided, conflicting classifications (1 of 4 stars). 2 submissions from 2 submitters: Likely pathogenic (1); Uncertain significance (1). Last evaluated 2026-02-19.

Conditions:
Arrhythmogenic cardiomyopathy with wooly hair and keratoderma. Also called: Carvajal syndrome; PALMOPLANTAR KERATODERMA WITH LEFT VENTRICULAR CARDIOMYOPATHY AND WOOLLY HAIR; Arrhythmogenic cardiomyopathy with woolly hair and keratoderma; Dilated cardiomyopathy with woolly hair and keratoderma. Identifiers: Orphanet 65282, MedGen C1854063, MONDO:0011581, OMIM 605676.
Arrhythmogenic right ventricular dysplasia 8 (ARVD8). Also called: ARRHYTHMOGENIC RIGHT VENTRICULAR DYSPLASIA, FAMILIAL, 8; ARRHYTHMOGENIC RIGHT VENTRICULAR CARDIOMYOPATHY 8; Arrhythmogenic Right Ventricular Dysplasia/Cardiomyopathy 8. Identifiers: MedGen C1843896, MONDO:0011831, OMIM 607450.

Submissions (2):

GeneDx
Classification: Uncertain significance. Last evaluated: 2026-02-19. Review status: criteria provided, single submitter. Criteria: GeneDx Variant Classification Process June 2021. Collection method: clinical testing. Allele origin: germline.
Comment: Not observed at significant frequency in large population cohorts (gnomAD); Has not been previously published as pathogenic or benign to our knowledge; In silico analysis is inconclusive as to whether the variant alters gene splicing. In the absence of RNA/functional studies, the actual effect of this sequence change is unknown.

Labcorp Genetics (formerly Invitae), Labcorp
Classification: Likely pathogenic for Arrhythmogenic cardiomyopathy with wooly hair and keratoderma; Arrhythmogenic right ventricular dysplasia 8. Last evaluated: 2025-11-18. Review status: criteria provided, single submitter. Criteria: Invitae Variant Classification Sherloc (09022015). Collection method: clinical testing. Allele origin: germline.
Comment: This sequence change affects a donor splice site in intron 13 of the DSP gene. It is expected to disrupt RNA splicing. Variants that disrupt the donor or acceptor splice site typically lead to a loss of protein function (PMID: 16199547), and loss-of-function variants in DSP are known to be pathogenic (PMID: 20716751, 24503780, 25227139, 30398466). This variant is not present in population databases (gnomAD no frequency). This variant has not been reported in the literature in individuals affected with DSP-related conditions. ClinVar contains an entry for this variant (Variation ID: 2099289). Algorithms developed to predict the effect of sequence changes on RNA splicing suggest that this variant may disrupt the consensus splice site. In summary, the currently available evidence indicates that the variant is pathogenic, but additional data are needed to prove that conclusively. Therefore, this variant has been classified as Likely Pathogenic.

Literature cited by the submitters: PubMed 16199547 (cited by Labcorp Genetics (formerly Invitae), Labcorp); PubMed 20716751 (cited by Labcorp Genetics (formerly Invitae), Labcorp); PubMed 24503780 (cited by Labcorp Genetics (formerly Invitae), Labcorp); PubMed 25227139 (cited by Labcorp Genetics (formerly Invitae), Labcorp); PubMed 30398466 (cited by Labcorp Genetics (formerly Invitae), Labcorp).